The following is an entry in ClinVar:

ClinVar aggregate classification (germline): Conflicting classifications of pathogenicity. Review status: criteria provided, conflicting classifications (1 of 4 stars). 5 submissions from 5 submitters: Uncertain significance (2); Benign (1); Likely benign (2). Last evaluated 2025-06-17.

Conditions:
TTN-related disorder. Also called: TTN-related condition; TTN-related disease; TTN-related disorders.

Allele frequency attached by ClinVar (database versions not stated): gnomAD exomes 0.00004; ExAC 0.00006; ESP Exome Variant Server 0.00010; 1000 Genomes Project 30x 0.00016; TOPMed 0.00017; gnomAD 0.00021.
gnomAD v4.1: 46 of 1,449,976 alleles (0.0032%); highest among the groups gnomAD compares: African/African-American, 0.062%; no homozygotes.

Submissions (5):

Women's Health and Genetics/Laboratory Corporation of America, LabCorp
Classification: Benign. Last evaluated: 2025-06-17. Review status: criteria provided, single submitter. Criteria: LabCorp Variant Classification Summary - May 2015. Collection method: clinical testing. Allele origin: germline.
Comment: Variant summary: TTN NM_133378:c.10361-3569C>A (also known as NM_001267550:c.11312-8C>A) is located at a position not widely known to affect splicing in the NM_133378 transcript. Consensus agreement among computation tools predict no significant impact on normal splicing in the NM_133378 transcript, whereas 2 computation tools found that this variant weakens or abolishes a canonical 3' splicing acceptor and 2 computation tools found no significant impact to the NM_001267550 transcript. However, these predictions have yet to be confirmed by functional studies. The variant allele was found at a frequency of 3.2e-05 in 1449976 control chromosomes, predominantly at a frequency of 0.00062 within the African or African-American subpopulation in the gnomAD database. The observed variant frequency within African or African-American control individuals in the gnomAD database is approximately 1.59 fold of the estimated maximal expected allele frequency for a pathogenic variant in TTN causing Autosomal Recessive Titinopathy phenotype (0.00039). To our knowledge, no occurrence of this variant in individuals affected with TTN-related conditions and no experimental evidence demonstrating its impact on protein function have been reported. ClinVar contains an entry for this variant (Variation ID: 281974). Based on the evidence outlined above, the variant was classified as benign.

PreventionGenetics, part of Exact Sciences
Classification: Likely benign for TTN-related condition. Last evaluated: 2025-05-20. Review status: criteria provided, single submitter. Criteria: ACMG Guidelines, 2015. Collection method: clinical testing. Allele origin: germline.
Comment: This variant is classified as likely benign based on ACMG/AMP sequence variant interpretation guidelines (Richards et al. 2015 PMID: 25741868, with internal and published modifications).

GeneDx
Classification: Uncertain significance. Last evaluated: 2023-05-24. Review status: criteria provided, single submitter. Criteria: GeneDx Variant Classification Process June 2021. Collection method: clinical testing. Allele origin: germline. Affected: yes.
Comment: Has not been previously published as pathogenic or benign to our knowledge; In silico analysis is inconclusive as to whether the variant alters gene splicing. In the absence of RNA/functional studies, the actual effect of this sequence change is unknown.

Blueprint Genetics
Classification: Likely benign. Last evaluated: 2021-11-10. Review status: criteria provided, single submitter. Criteria: ACMG Guidelines, 2015. Collection method: clinical testing. Allele origin: germline.

Eurofins Ntd Llc (ga)
Classification: Uncertain significance. Last evaluated: 2015-07-14. Review status: criteria provided, single submitter. Criteria: EGL Classification Definitions 2015. Collection method: clinical testing. Allele origin: germline. Observed: 2 variant alleles, 2 heterozygotes.

NM_001267550.2(TTN):c.11312-8C>A

Gene: TTN (titin; minus strand). Cytogenetic location: 2q31.2.
Variant type: single nucleotide variant.
Coding change: c.11312-8C>A on transcript NM_001267550.2 (MANE Select); 8 bases into the intron before coding-DNA position 11312, C replaced by A.
Molecular consequence: intron variant.
Genome position (GRCh38, 1-based): chr2:178,741,929, G>T on the plus strand (C>A on the coding strand, the complement: TTN is on the minus strand). VCF-style: chr2-178741929-G-T. GRCh37 (hg19) VCF-style: chr2-179606656-G-T.
Other names: c.10223-8C>A (NM_003319.4); c.10799-8C>A (NM_133437.4); c.10598-8C>A (NM_133432.3); c.10361-3569C>A (NM_133378.4); c.10361-8C>A (NM_001256850.1).
Identifiers: ClinVar variation 281974 (VCV000281974.12), dbSNP rs374893678, ClinGen allele CA2002871.